The following is an entry in ClinVar:

NM_001231.5(CASQ1):c.308G>A (p.Gly103Asp)

Gene: CASQ1 (calsequestrin 1; plus strand). Cytogenetic location: 1q23.2.
Variant type: single nucleotide variant.
Coding change: c.308G>A on transcript NM_001231.5 (MANE Select); coding-DNA position 308, G replaced by A.
Protein change: p.Gly103Asp; replaces glycine 103 with aspartic acid.
Molecular consequence: missense variant.
Genome position (GRCh38, 1-based): chr1:160,192,830, G>A. VCF-style: chr1-160192830-G-A. GRCh37 (hg19) VCF-style: chr1-160162620-G-A.
Other names: short protein forms G103D.
Identifiers: ClinVar variation 3233252 (VCV003233252.4), dbSNP rs1654108256.

ClinVar aggregate classification (germline): Conflicting classifications of pathogenicity. Review status: criteria provided, conflicting classifications (1 of 4 stars). 2 submissions from 2 submitters: Pathogenic (1); Uncertain significance (1). Last evaluated 2025-01-21.

Conditions:
Myopathy with tubular aggregates (TAM). Also called: Tubular Aggregate Myopathy. Identifiers: Orphanet 2593, MedGen C0410207, MONDO:0008051.

Allele frequency attached by ClinVar (database versions not stated): gnomAD exomes below 0.00001; TOPMed 0.00001.
gnomAD v4.1: 3 of 1,614,026 alleles (0.00019%); highest among the groups gnomAD compares: Non-Finnish European, 0.00025%; no homozygotes.

Submissions (2):

Labcorp Genetics (formerly Invitae), Labcorp
Classification: Uncertain significance. Last evaluated: 2025-01-21. Review status: criteria provided, single submitter. Criteria: Invitae Variant Classification Sherloc (09022015). Collection method: clinical testing. Allele origin: germline.
Comment: This sequence change replaces glycine, which is neutral and non-polar, with aspartic acid, which is acidic and polar, at codon 103 of the CASQ1 protein (p.Gly103Asp). This variant is not present in population databases (gnomAD no frequency). This missense change has been observed in individuals with CASQ1-related conditions (PMID: 28895244, 29039140, 30258016; internal data). ClinVar contains an entry for this variant (Variation ID: 3233252). Invitae Evidence Modeling of protein sequence and biophysical properties (such as structural, functional, and spatial information, amino acid conservation, physicochemical variation, residue mobility, and thermodynamic stability) indicates that this missense variant is not expected to disrupt CASQ1 protein function with a negative predictive value of 80%. Experimental studies have shown that this missense change affects CASQ1 function (PMID: 28895244, 29039140). In summary, the available evidence is currently insufficient to determine the role of this variant in disease. Therefore, it has been classified as a Variant of Uncertain Significance.

Muscle and Diseases Team, Institut de Génétique et Biologie Moléculaire et Cellulaire
Classification: Pathogenic for Myopathy with tubular aggregates. Last evaluated: 2024-03-01. Review status: criteria provided, single submitter. Criteria: ACMG Guidelines, 2015. Collection method: research. Allele origin: somatic. Affected: yes. Observed: 1 variant allele.
Comment: PS3+PM2+PM6+PP2+PP3

Literature cited by the submitters: PubMed 28895244 (cited by Labcorp Genetics (formerly Invitae), Labcorp); PubMed 29039140 (cited by Labcorp Genetics (formerly Invitae), Labcorp and Muscle and Diseases Team, Institut de Génétique et Biologie Moléculaire et Cellulaire); PubMed 30258016 (cited by Labcorp Genetics (formerly Invitae), Labcorp); DOI 10.1186/s13073-024-01353-0 (cited by Muscle and Diseases Team, Institut de Génétique et Biologie Moléculaire et Cellulaire).